The following is an entry in ClinVar:

NM_001370466.1(NOD2):c.379G>A (p.Asp127Asn)

Gene: NOD2 (nucleotide binding oligomerization domain containing 2; plus strand). Cytogenetic location: 16q12.1.
Variant type: single nucleotide variant.
Coding change: c.379G>A on transcript NM_001370466.1 (MANE Select); coding-DNA position 379, G replaced by A.
Protein change: p.Asp127Asn; replaces aspartic acid 127 with asparagine.
Molecular consequence: missense variant. On other transcripts: non-coding transcript variant (1).
Genome position (GRCh38, 1-based): chr16:50,699,874, G>A. VCF-style: chr16-50699874-G-A. GRCh37 (hg19) VCF-style: chr16-50733785-G-A.
Other names: p.Asp154Asn; c.460G>A (LRG_177t1); c.379G>A, p.Asp127Asn (NM_001293557.2); c.460G>A, p.Asp154Asn (NM_022162.3); short protein forms D154N, D127N.
Identifiers: ClinVar variation 319426 (VCV000319426.57), dbSNP rs146054564, ClinGen allele CA8051281.

ClinVar aggregate classification (germline): Conflicting classifications of pathogenicity. Review status: criteria provided, conflicting classifications (1 of 4 stars). 10 submissions from 9 submitters: Uncertain significance (1); Benign (1); Likely benign (7). 1 of the submissions does not count toward it. Last evaluated 2026-06-01.

Conditions:
NOD2-related disorder. Also called: NOD2-related condition.
Autoinflammatory syndrome. Identifiers: Orphanet 93665, MedGen C3890737, MONDO:0019751.
Inflammatory bowel disease 1 (IBD1). Also called: INFLAMMATORY BOWEL DISEASE (CROHN DISEASE) 1; Inflammatory bowel disease 1, Crohn disease. Identifiers: MedGen CN260071, MONDO:0009960, OMIM 266600.
Blau syndrome (BLAUS). Also called: GRANULOMATOSIS, FAMILIAL JUVENILE SYSTEMIC; GRANULOMATOSIS, FAMILIAL, BLAU TYPE; GRANULOMATOUS INFLAMMATORY ARTHRITIS, DERMATITIS, AND UVEITIS, FAMILIAL; JABS SYNDROME; ARTHROCUTANEOUVEAL GRANULOMATOSIS. Identifiers: Orphanet 90340, MedGen C5201146, MONDO:0008523, OMIM 186580.
Regional enteritis. Also called: Enteritis, Granulomatous. Identifiers: MedGen C0678202, MeSH D003424.

Allele frequency attached by ClinVar (database versions not stated): 1000 Genomes Project 30x 0.00016; 1000 Genomes Project 0.00020; ExAC 0.00064; gnomAD 0.00067 and 0.00068; gnomAD exomes 0.00068 and 0.00163; TOPMed 0.00081; ESP Exome Variant Server 0.00146.

Submissions (10):

CeGaT Center for Human Genetics Tuebingen
Classification: Likely benign. Last evaluated: 2026-06-01. Review status: criteria provided, single submitter. Criteria: CeGaT Center For Human Genetics Tuebingen Variant Classification Criteria Version 2. Collection method: clinical testing. Allele origin: germline. Affected: yes. Observed: 2 variant alleles.
Comment: NOD2: BP4, BS2

Labcorp Genetics (formerly Invitae), Labcorp
Classification: Likely benign for Regional enteritis; Blau syndrome. Last evaluated: 2026-02-02. Review status: criteria provided, single submitter. Criteria: Invitae Variant Classification Sherloc (09022015). Collection method: clinical testing. Allele origin: germline.

Mayo Clinic Laboratories, Mayo Clinic
Classification: Likely benign. Last evaluated: 2025-09-01. Review status: criteria provided, single submitter. Criteria: ACMG Guidelines, 2015. Collection method: clinical testing. Allele origin: germline. Observed: 2 variant alleles.
Comment: BS1, BP4_moderate

ARUP Laboratories, Molecular Genetics and Genomics, ARUP Laboratories
Classification: Likely benign. Last evaluated: 2025-06-26. Review status: criteria provided, single submitter. Criteria: ARUP Molecular Germline Variant Investigation Process 2024. Collection method: clinical testing. Allele origin: germline.

Women's Health and Genetics/Laboratory Corporation of America, LabCorp
Classification: Likely benign. Last evaluated: 2024-12-09. Review status: criteria provided, single submitter. Criteria: LabCorp Variant Classification Summary - May 2015. Collection method: clinical testing. Allele origin: germline.

Blueprint Genetics
Classification: Likely benign. Last evaluated: 2024-11-27. Review status: criteria provided, single submitter. Criteria: ACMG Guidelines, 2015. Collection method: clinical testing. Allele origin: germline.

Genome Diagnostics Laboratory, The Hospital for Sick Children
Classification: Likely benign for Autoinflammatory syndrome. Last evaluated: 2022-02-25. Review status: criteria provided, single submitter. Criteria: ACMG Guidelines, 2015. Collection method: clinical testing. Allele origin: germline. Affected: yes.

Illumina Laboratory Services, Illumina
Classification: Uncertain significance for Inflammatory bowel disease 1. Last evaluated: 2018-01-13. Review status: criteria provided, single submitter. Criteria: ICSL Variant Classification Criteria 13 December 2019. Collection method: clinical testing. Allele origin: germline.

Illumina Laboratory Services, Illumina
Classification: Benign for Blau syndrome. Last evaluated: 2018-01-13. Review status: criteria provided, single submitter. Criteria: ICSL Variant Classification Criteria 13 December 2019. Collection method: clinical testing. Allele origin: germline.
Comment: This variant was observed in the ICSL laboratory as part of a predisposition screen in an ostensibly healthy population. It had not been previously curated by ICSL or reported in the Human Gene Mutation Database (HGMD: prior to June 1st, 2018), and was therefore a candidate for classification through an automated scoring system. Utilizing variant allele frequency, disease prevalence and penetrance estimates, and inheritance mode, an automated score was calculated to assess if this variant is too frequent to cause the disease. Based on the score and internal cut-off values, a variant classified as benign is not then subjected to further curation. The score for this variant resulted in a classification of benign for this disease.

PreventionGenetics, part of Exact Sciences
Classification: Likely benign for NOD2-related condition. Last evaluated: 2023-11-29. Review status: no assertion criteria provided. Collection method: clinical testing. Allele origin: germline. Not counted in ClinVar's aggregate classification.
Comment: This variant is classified as likely benign based on ACMG/AMP sequence variant interpretation guidelines (Richards et al. 2015 PMID: 25741868, with internal and published modifications).

Literature cited by the submitters: PubMed 24200957 (cited by Mayo Clinic Laboratories, Mayo Clinic); PubMed 28422189 (cited by Mayo Clinic Laboratories, Mayo Clinic).